The following is an entry in ClinVar:

NM_152564.5(VPS13B):c.4949+3A>G

Gene: VPS13B (vacuolar protein sorting 13 homolog B; plus strand). Cytogenetic location: 8q22.2.
Variant type: single nucleotide variant.
Coding change: c.4949+3A>G on transcript NM_152564.5 (MANE Select); 3 bases into the intron after coding-DNA position 4949, A replaced by G.
Molecular consequence: intron variant.
Genome position (GRCh38, 1-based): chr8:99,556,656, A>G. VCF-style: chr8-99556656-A-G. GRCh37 (hg19) VCF-style: chr8-100568884-A-G.
Other names: c.5024+3A>G (NM_017890.5).
Identifiers: ClinVar variation 1696351 (VCV001696351.1), dbSNP rs1824584392, ClinGen allele CA2542035678.

ClinVar aggregate classification (germline): Uncertain significance (1 of 4 stars; one submission).

Submission:

Women's Health and Genetics/Laboratory Corporation of America, LabCorp
Classification: Uncertain significance. Last evaluated: 2022-05-10. Review status: criteria provided, single submitter. Criteria: LabCorp Variant Classification Summary - May 2015. Collection method: clinical testing. Allele origin: germline.
Comment: Variant summary: VPS13B c.5024+3A>G alters a non-conserved nucleotide located close to a canonical splice site and therefore could affect mRNA splicing, leading to a significantly altered protein sequence. 4/4 computational tools predict no significant impact on normal splicing. However, these predictions have yet to be confirmed by functional studies. The variant was absent in 248632 control chromosomes. The available data on variant occurrences in the general population are insufficient to allow any conclusion about variant significance. To our knowledge, no occurrence of c.5024+3A>G in individuals affected with Cohen Syndrome and no experimental evidence demonstrating its impact on protein function have been reported. No clinical diagnostic laboratories have submitted clinical-significance assessments for this variant to ClinVar after 2014. Based on the evidence outlined above, the variant was classified as uncertain significance.